The following is an entry in ClinVar:

NM_005655.4(KLF10):c.895C>T (p.Pro299Ser)

Gene: KLF10 (KLF transcription factor 10; minus strand). Cytogenetic location: 8q22.3.
Variant type: single nucleotide variant.
Coding change: c.895C>T on transcript NM_005655.4 (MANE Select); coding-DNA position 895, C replaced by T.
Protein change: p.Pro299Ser; replaces proline 299 with serine.
Molecular consequence: missense variant.
Genome position (GRCh38, 1-based): chr8:102,651,437, G>A on the plus strand (C>T on the coding strand, the complement: KLF10 is on the minus strand). VCF-style: chr8-102651437-G-A. GRCh37 (hg19) VCF-style: chr8-103663665-G-A.
Other names: c.862C>T, p.Pro288Ser (NM_001032282.4); short protein forms P288S, P299S.
Identifiers: ClinVar variation 4881409 (VCV004881409.2).

ClinVar aggregate classification (germline): Uncertain significance (1 of 4 stars; one submission).

Submission:

Dasa
Classification: Uncertain significance. Last evaluated: 2025-09-10. Review status: criteria provided, single submitter. Criteria: DASA Assertion Criteria. Collection method: clinical testing. Allele origin: germline.
Comment: NM_005655.4(KLF10):c.895C>T (p.Pro299Ser) is a missense variant that results in the substitution of proline with serine. This variant is rare in population databases. Computational prediction algorithms are consistent with a benign effect. The currently available literature and clinical evidence are not sufficient to establish a definitive association between this variant and the reported condition. Therefore, this variant is classified as a variant of uncertain significance.